The following is an entry in ClinVar:

ClinVar aggregate classification (germline): Likely benign (1 of 4 stars; one submission).

Allele frequency attached by ClinVar (database versions not stated): ExAC 0.00003; TOPMed 0.00004; gnomAD 0.00005.
gnomAD v4.1: 70 of 1,612,808 alleles (0.0043%); highest among the groups gnomAD compares: Middle Eastern, 0.016%; no homozygotes.

Submission:

CeGaT Center for Human Genetics Tuebingen
Classification: Likely benign. Last evaluated: 2022-11-01. Review status: criteria provided, single submitter. Criteria: CeGaT Center For Human Genetics Tuebingen Variant Classification Criteria Version 2. Collection method: clinical testing. Allele origin: germline. Affected: yes. Observed: 1 variant allele.
Comment: COL6A2: BP4, BP7

NM_058174.3(COL6A2):c.2616C>T (p.Ala872=)

Gene: COL6A2 (collagen type VI alpha 2 chain; plus strand). Cytogenetic location: 21q22.3.
Variant type: single nucleotide variant.
Coding change: c.2616C>T on transcript NM_058174.3 (MANE Plus Clinical); coding-DNA position 2616, C replaced by T.
Protein change: p.Ala872=; no amino-acid change (alanine 872 retained).
Molecular consequence: synonymous variant. On other transcripts: 3 prime UTR variant (1), intron variant (1).
Genome position (GRCh38, 1-based): chr21:46,129,350, C>T. VCF-style: chr21-46129350-C-T. GRCh37 (hg19) VCF-style: chr21-47549264-C-T.
Other names: c.*422C>T (NM_058175.3); c.2462-2604C>T (NM_001849.4).
Identifiers: ClinVar variation 2652804 (VCV002652804.24), dbSNP rs779853224, ClinGen allele CA10072794.
Genomic context (GRCh38, chr21:46,129,350, plus strand): 5'-ACAGTTGCTAAACGCCACGGAGCTCACGCAGGACCCGGCCGCCTACTCCCAGCTGGTGGC[C>T]GTGCTGGTCTACACCGCCGAGCGGGCCAAGTTCGCCACCGGGGTAGAGCGGCAGGACTGG-3'
Protein context (NP_478054.2, residues 862-882): QDPAAYSQLV[Ala872=]VLVYTAERAK